The following is an entry in ClinVar:

NM_006623.4(PHGDH):c.395A>G (p.Lys132Arg)

Gene: PHGDH (phosphoglycerate dehydrogenase; plus strand). Cytogenetic location: 1p12.
Variant type: single nucleotide variant.
Coding change: c.395A>G on transcript NM_006623.4 (MANE Select); coding-DNA position 395, A replaced by G.
Protein change: p.Lys132Arg; replaces lysine 132 with arginine.
Molecular consequence: missense variant.
Genome position (GRCh38, 1-based): chr1:119,726,889, A>G. VCF-style: chr1-119726889-A-G. GRCh37 (hg19) VCF-style: chr1-120269512-A-G.
Other names: c.395A>G (NM_006623.3); short protein forms K132R.
Identifiers: ClinVar variation 2149276 (VCV002149276.2), dbSNP rs747903761, ClinGen allele CA341847610.

ClinVar aggregate classification (germline): Uncertain significance. Review status: criteria provided, multiple submitters, no conflicts (2 of 4 stars). 2 submissions from 2 submitters: Uncertain significance (2). Last evaluated 2026-05-26.

Conditions:
Inborn genetic diseases. Identifiers: MedGen C0950123, MeSH D030342.
PHGDH deficiency. Identifiers: Orphanet 79351, MedGen C1866174, MONDO:0011152, OMIM 601815.

Allele frequency attached by ClinVar (database versions not stated): gnomAD 0.00002.
gnomAD v4.1: 15 of 1,614,096 alleles (0.00093%); highest among the groups gnomAD compares: African/African-American, 0.0027%; no homozygotes.

Submissions (2):

Ambry Genetics
Classification: Uncertain significance for Inborn genetic diseases. Last evaluated: 2026-05-26. Review status: criteria provided, single submitter. Criteria: Ambry Variant Classification Scheme 2023. Collection method: clinical testing. Allele origin: germline.

Labcorp Genetics (formerly Invitae), Labcorp
Classification: Uncertain significance for PHGDH deficiency. Last evaluated: 2022-02-28. Review status: criteria provided, single submitter. Criteria: Invitae Variant Classification Sherloc (09022015). Collection method: clinical testing. Allele origin: germline.
Comment: This sequence change replaces lysine, which is basic and polar, with arginine, which is basic and polar, at codon 132 of the PHGDH protein (p.Lys132Arg). This variant is present in population databases (no rsID available, gnomAD 0.004%). This variant has not been reported in the literature in individuals affected with PHGDH-related conditions. Algorithms developed to predict the effect of missense changes on protein structure and function output the following: SIFT: "Tolerated"; PolyPhen-2: "Benign"; Align-GVGD: "Class C0". The arginine amino acid residue is found in multiple mammalian species, which suggests that this missense change does not adversely affect protein function. In summary, the available evidence is currently insufficient to determine the role of this variant in disease. Therefore, it has been classified as a Variant of Uncertain Significance.